The following is an entry in ClinVar:

ClinVar aggregate classification (germline): Uncertain significance (1 of 4 stars; one submission).

Conditions:
Primary ciliary dyskinesia. Also called: Ciliary dyskinesia. Identifiers: Orphanet 244, MedGen C0008780, MONDO:0016575, HP:0012265.

Allele frequency attached by ClinVar (database versions not stated): TOPMed below 0.00001; gnomAD 0.00001.
gnomAD v4.1: 1 of 1,601,888 alleles (0.000062%); highest among the groups gnomAD compares: Non-Finnish European, 0.000085%; no homozygotes.

Submission:

Ambry Genetics
Classification: Uncertain significance for Primary ciliary dyskinesia. Last evaluated: 2019-06-20. Review status: criteria provided, single submitter. Criteria: Ambry Variant Classification Scheme 2023. Collection method: clinical testing. Allele origin: germline.
Comment: The p.S2395C variant (also known as c.7184C>G), located in coding exon 44 of the DNAH11 gene, results from a C to G substitution at nucleotide position 7184. The serine at codon 2395 is replaced by cysteine, an amino acid with dissimilar properties. This amino acid position is poorly conserved in available vertebrate species. In addition, this alteration is predicted to be tolerated by in silico analysis. Since supporting evidence is limited at this time, the clinical significance of this alteration remains unclear.

NM_001277115.2(DNAH11):c.7184C>G (p.Ser2395Cys)

Gene: DNAH11 (dynein axonemal heavy chain 11; plus strand). Cytogenetic location: 7p15.3.
Variant type: single nucleotide variant.
Coding change: c.7184C>G on transcript NM_001277115.2 (MANE Select); coding-DNA position 7184, C replaced by G.
Protein change: p.Ser2395Cys; replaces serine 2395 with cysteine.
Molecular consequence: missense variant.
Genome position (GRCh38, 1-based): chr7:21,720,774, C>G. VCF-style: chr7-21720774-C-G. GRCh37 (hg19) VCF-style: chr7-21760392-C-G.
Other names: c.7205C>G, p.Ser2402Cys (NM_003777.3); short protein forms S2395C, S2402C.
Identifiers: ClinVar variation 1757553 (VCV001757553.2), dbSNP rs1784844777, ClinGen allele CA366943785.